The following is an entry in ClinVar:

NM_181703.4(GJA5):c.904C>T (p.Arg302Ter)

Gene: GJA5 (gap junction protein alpha 5; minus strand). Cytogenetic location: 1q21.2.
Variant type: single nucleotide variant.
Coding change: c.904C>T on transcript NM_181703.4 (MANE Select); coding-DNA position 904, C replaced by T.
Protein change: p.Arg302Ter; replaces arginine 302 with a stop codon.
Molecular consequence: nonsense.
Genome position (GRCh38, 1-based): chr1:147,758,335, G>A on the plus strand (C>T on the coding strand, the complement: GJA5 is on the minus strand). VCF-style: chr1-147758335-G-A. GRCh37 (hg19) VCF-style: chr1-147230443-G-A.
Other names: c.904C>T, p.Arg302Ter (NM_005266.7); short protein forms R302*.
Identifiers: ClinVar variation 666384 (VCV000666384.5), dbSNP rs372883419, ClinGen allele CA1065682.

ClinVar aggregate classification (germline): Uncertain significance. Review status: criteria provided, multiple submitters, no conflicts (2 of 4 stars). 2 submissions from 2 submitters: Uncertain significance (2). Last evaluated 2023-07-14.

Conditions:
Atrial standstill 1 (ATRST1). Also called: Atrial standstill, digenic (GJA5/SCN5A); ATRIAL CARDIOMYOPATHY WITH HEART BLOCK; CARDIOMYOPATHY, FAMILIAL, WITH CONDUCTION DISTURBANCE. Identifiers: Orphanet 1344, MedGen C4551959, MONDO:0007171, OMIM 108770.
Atrial fibrillation, familial, 11 (ATFB11). Identifiers: MedGen C3279693, MONDO:0013544, OMIM 614049.

Allele frequency attached by ClinVar (database versions not stated): ExAC 0.00001; gnomAD 0.00003; TOPMed 0.00004; ESP Exome Variant Server 0.00008.
gnomAD v4.1: 51 of 1,613,998 alleles (0.0032%); highest among the groups gnomAD compares: Non-Finnish European, 0.0039%; no homozygotes.

Submissions (2):

Pittsburgh Clinical Genomics Laboratory, University of Pittsburgh Medical Center
Classification: Uncertain significance for Atrial fibrillation, familial, 11. Last evaluated: 2023-07-14. Review status: criteria provided, single submitter. Criteria: ACMG Guidelines, 2015. Collection method: clinical testing. Allele origin: germline. Inheritance: Autosomal dominant inheritance. Affected: yes.
Comment: This sequence variant is a single nucleotide substitution (C>T) at coding position 904 of the GJA5 gene that generates an early termition codon at position 302 of the GJA5 protein. This variant has not been previously reported in databases of clinically annotated variants (ClinVar) or reported in the literature in individuals with GJA5-related illness, to our knowledge. This variant is present in the gnomAD control population database (1 of 31392 alleles or 0.003%). In silico tools do not provide useful predictions for this variant and the Arg302 residue is highly conserved across the mammalian species examined. This variant removes approximately 4% from the end of the protein, including a portion of the cytoplasmic tail (Uniprot). Functiol studies testing the effect of this variant have not been performed, to our knowledge. At this time, loss of function is not an established mechanism of disease for GJA5. Therefore, we consider this to be a variant of uncertain significance. ACMG Criteria: PM2

Labcorp Genetics (formerly Invitae), Labcorp
Classification: Uncertain significance for Atrial fibrillation, familial, 11; Atrial standstill 1. Last evaluated: 2023-04-14. Review status: criteria provided, single submitter. Criteria: Invitae Variant Classification Sherloc (09022015). Collection method: clinical testing. Allele origin: germline.
Comment: In summary, the available evidence is currently insufficient to determine the role of this variant in disease. Therefore, it has been classified as a Variant of Uncertain Significance. Experimental studies and prediction algorithms are not available or were not evaluated, and the functional significance of this variant is currently unknown. ClinVar contains an entry for this variant (Variation ID: 666384). This variant has not been reported in the literature in individuals affected with GJA5-related conditions. This variant is present in population databases (rs372883419, gnomAD 0.002%). This sequence change creates a premature translational stop signal (p.Arg302*) in the GJA5 gene. While this is not anticipated to result in nonsense mediated decay, it is expected to disrupt the last 57 amino acid(s) of the GJA5 protein.